The following is an entry in ClinVar:

NM_173598.6(KSR2):c.477C>T (p.Gly159=)

Gene: KSR2 (kinase suppressor of ras 2; minus strand). Cytogenetic location: 12q24.23.
Variant type: single nucleotide variant.
Coding change: c.477C>T on transcript NM_173598.6 (MANE Select); coding-DNA position 477, C replaced by T.
Protein change: p.Gly159=; no amino-acid change (glycine 159 retained).
Molecular consequence: synonymous variant.
Genome position (GRCh38, 1-based): chr12:117,761,520, G>A on the plus strand (C>T on the coding strand, the complement: KSR2 is on the minus strand). VCF-style: chr12-117761520-G-A. GRCh37 (hg19) VCF-style: chr12-118199325-G-A.
Identifiers: ClinVar variation 4998574 (VCV004998574.1).

ClinVar aggregate classification (germline): Likely benign (1 of 4 stars; one submission).

Conditions:
KSR2-related disorder. Also called: KSR2-related condition.

gnomAD v4.1: 1 of 1,613,388 alleles (0.000062%); highest among the groups gnomAD compares: South Asian, 0.0011%; no homozygotes.

Submission:

PreventionGenetics, part of Exact Sciences
Classification: Likely benign for KSR2-related condition. Last evaluated: 2024-12-17. Review status: criteria provided, single submitter. Criteria: ACMG Guidelines, 2015. Collection method: clinical testing. Allele origin: germline.
Comment: This variant is classified as likely benign based on ACMG/AMP sequence variant interpretation guidelines (Richards et al. 2015 PMID: 25741868, with internal and published modifications).